The following is an entry in ClinVar:

NM_021956.5(GRIK2):c.281A>C (p.Lys94Thr)

Gene: GRIK2 (glutamate ionotropic receptor kainate type subunit 2; plus strand). Cytogenetic location: 6q16.3.
Variant type: single nucleotide variant.
Coding change: c.281A>C on transcript NM_021956.5 (MANE Select); coding-DNA position 281, A replaced by C.
Protein change: p.Lys94Thr; replaces lysine 94 with threonine.
Molecular consequence: missense variant.
Genome position (GRCh38, 1-based): chr6:101,622,114, A>C. VCF-style: chr6-101622114-A-C. GRCh37 (hg19) VCF-style: chr6-102069989-A-C.
Other names: c.281A>C, p.Lys94Thr (NM_001166247.1, NM_175768.3); short protein forms K94T.
Identifiers: ClinVar variation 3765991 (VCV003765991.1).

ClinVar aggregate classification (germline): Uncertain significance (1 of 4 stars; one submission).

Submission:

GeneDx
Classification: Uncertain significance. Last evaluated: 2024-09-03. Review status: criteria provided, single submitter. Criteria: GeneDx Variant Classification Process June 2021. Collection method: clinical testing. Allele origin: germline. Affected: yes.
Comment: Not observed at significant frequency in large population cohorts (gnomAD); In silico analysis supports that this missense variant has a deleterious effect on protein structure/function; Has not been previously published as pathogenic or benign to our knowledge